The following is an entry in ClinVar:

ClinVar aggregate classification (germline): Uncertain significance (1 of 4 stars; one submission).

gnomAD v4.1: 1 of 1,614,144 alleles (0.000062%); no homozygotes.

Submission:

GeneDx
Classification: Uncertain significance. Last evaluated: 2022-11-14. Review status: criteria provided, single submitter. Criteria: GeneDx Variant Classification Process June 2021. Collection method: clinical testing. Allele origin: germline. Affected: yes.
Comment: Not observed at significant frequency in large population cohorts (gnomAD); In silico analysis supports that this missense variant has a deleterious effect on protein structure/function; Has not been previously published as pathogenic or benign to our knowledge

NM_001252102.2(KIF21B):c.2159A>G (p.Asp720Gly)

Gene: KIF21B (kinesin family member 21B; minus strand). Cytogenetic location: 1q32.1.
Variant type: single nucleotide variant.
Coding change: c.2159A>G on transcript NM_001252102.2 (MANE Select); coding-DNA position 2159, A replaced by G.
Protein change: p.Asp720Gly; replaces aspartic acid 720 with glycine.
Molecular consequence: missense variant.
Genome position (GRCh38, 1-based): chr1:200,996,314, T>C on the plus strand (A>G on the coding strand, the complement: KIF21B is on the minus strand). VCF-style: chr1-200996314-T-C. GRCh37 (hg19) VCF-style: chr1-200965442-T-C.
Other names: c.2159A>G, p.Asp720Gly (NM_001252100.2, NM_001252103.2, NM_017596.4); short protein forms D720G.
Identifiers: ClinVar variation 2501884 (VCV002501884.1), dbSNP rs2465187204, ClinGen allele CA344144674.